The following is an entry in ClinVar:

NM_000059.4(BRCA2):c.1449del (p.Ala483_Val484insTer)

Gene: BRCA2 (BRCA2 DNA repair associated; plus strand). Cytogenetic location: 13q13.1.
Variant type: Deletion.
Coding change: c.1449del on transcript NM_000059.4 (MANE Select); coding-DNA position 1449, one base deleted (A; older notation c.1449delA).
Protein change: p.Ala483_Val484insTer.
Molecular consequence: frameshift variant. On other transcripts: nonsense (3).
Genome position (GRCh38, 1-based): chr13:32,332,927, A deleted. VCF-style (leftmost placement, unchanged base first): chr13-32332926-CA-C. GRCh37 (hg19) VCF-style: chr13-32907063-CA-C.
Other names: c.1449delA, p.Val484Terfs (NM_001406720.1, NM_001406721.1, NM_001406719.1).
Identifiers: ClinVar variation 1772859 (VCV001772859.2), dbSNP rs2548520295, ClinGen allele CA2580087005.

ClinVar aggregate classification (germline): Pathogenic (1 of 4 stars; one submission).

Conditions:
Hereditary cancer-predisposing syndrome. Also called: Hereditary Cancer Syndrome; Hereditary neoplastic syndrome; Neoplastic Syndromes, Hereditary; Tumor predisposition. Identifiers: Orphanet 140162, MedGen C0027672, MeSH D009386, MONDO:0015356.

Submission:

Ambry Genetics
Classification: Pathogenic for Hereditary cancer-predisposing syndrome. Last evaluated: 2022-08-01. Review status: criteria provided, single submitter. Criteria: Ambry Variant Classification Scheme 2023. Collection method: clinical testing. Allele origin: germline.
Comment: The c.1449delA pathogenic mutation, located in coding exon 9 of the BRCA2 gene, results from a deletion of one nucleotide at nucleotide position 1449, causing a translational frameshift with a predicted alternate stop codon (p.V484*). This variant is considered to be rare based on population cohorts in the Genome Aggregation Database (gnomAD). This alteration is expected to result in loss of function by premature protein truncation or nonsense-mediated mRNA decay. As such, this alteration is interpreted as a disease-causing mutation.